The following is an entry in ClinVar:

NM_024408.4(NOTCH2):c.4811G>A (p.Arg1604Lys)

Gene: NOTCH2 (notch receptor 2; minus strand). Cytogenetic location: 1p12.
Variant type: single nucleotide variant.
Coding change: c.4811G>A on transcript NM_024408.4 (MANE Select); coding-DNA position 4811, G replaced by A.
Protein change: p.Arg1604Lys; replaces arginine 1604 with lysine.
Molecular consequence: missense variant.
Genome position (GRCh38, 1-based): chr1:119,923,685, C>T on the plus strand (G>A on the coding strand, the complement: NOTCH2 is on the minus strand). VCF-style: chr1-119923685-C-T. GRCh37 (hg19) VCF-style: chr1-120466308-C-T.
Other names: short protein forms R1604K.
Identifiers: ClinVar variation 4746145 (VCV004746145.1).

ClinVar aggregate classification (germline): Uncertain significance (1 of 4 stars; one submission).

Conditions:
Hajdu-Cheney syndrome (HJCYS). Also called: SERPENTINE FIBULA-POLYCYSTIC KIDNEY SYNDROME; Acroosteolysis dominant type; ACROOSTEOLYSIS WITH OSTEOPOROSIS AND CHANGES IN SKULL AND MANDIBLE. Identifiers: Orphanet 955, MedGen C0917715, MONDO:0007057, OMIM 102500.

Submission:

Labcorp Genetics (formerly Invitae), Labcorp
Classification: Uncertain significance for Hajdu-Cheney syndrome. Last evaluated: 2025-10-14. Review status: criteria provided, single submitter. Criteria: Invitae Variant Classification Sherloc (09022015). Collection method: clinical testing. Allele origin: germline.
Comment: This sequence change replaces arginine, which is basic and polar, with lysine, which is basic and polar, at codon 1604 of the NOTCH2 protein (p.Arg1604Lys). This variant is not present in population databases (gnomAD no frequency). This variant has not been reported in the literature in individuals affected with NOTCH2-related conditions. Invitae Evidence Modeling of protein sequence and biophysical properties (such as structural, functional, and spatial information, amino acid conservation, physicochemical variation, residue mobility, and thermodynamic stability) indicates that this missense variant is not expected to disrupt NOTCH2 protein function with a negative predictive value of 80%. In summary, the available evidence is currently insufficient to determine the role of this variant in disease. Therefore, it has been classified as a Variant of Uncertain Significance.